The following is an entry in ClinVar:

NM_007118.4(TRIO):c.1176G>A (p.Met392Ile)

Gene: TRIO (trio Rho guanine nucleotide exchange factor; plus strand). Cytogenetic location: 5p15.2.
Variant type: single nucleotide variant.
Coding change: c.1176G>A on transcript NM_007118.4 (MANE Select); coding-DNA position 1176, G replaced by A.
Protein change: p.Met392Ile; replaces methionine 392 with isoleucine.
Molecular consequence: missense variant. On other transcripts: non-coding transcript variant (1).
Genome position (GRCh38, 1-based): chr5:14,293,134, G>A. VCF-style: chr5-14293134-G-A. GRCh37 (hg19) VCF-style: chr5-14293243-G-A.
Other names: short protein forms M392I.
Identifiers: ClinVar variation 2635431 (VCV002635431.1), dbSNP rs2532154327, ClinGen allele CA359213779.
Genomic context (GRCh38, chr5:14,293,134, plus strand): 5'-CAGCCACCCTCATGCCATGGAGCTTCAGACGCAGCACAATCACTTTGCCATGAACTGTAT[G>A]GTAAGACACTCGGAACAGCTGGACCCTGGCATGTGACAGTGTTTTAGCAAATGGGAGGCA-3'
Protein context (NP_009049.2, residues 382-402): TQHNHFAMNC[Met392Ile]NVYVNINRIM

ClinVar aggregate classification (germline): Uncertain significance (1 of 4 stars; one submission).

Conditions:
TRIO-related disorder. Also called: TRIO-related condition; TRIO-related disorders.

Submission:

PreventionGenetics, part of Exact Sciences
Classification: Uncertain significance for TRIO-related condition. Last evaluated: 2022-10-21. Review status: criteria provided, single submitter. Criteria: ACMG Guidelines, 2015. Collection method: clinical testing. Allele origin: germline.
Comment: The TRIO c.1176G>A variant is predicted to result in the amino acid substitution p.Met392Ile. To our knowledge, this variant has not been reported in the literature or in a large population database, indicating this variant is rare. At this time, the clinical significance of this variant is uncertain due to the absence of conclusive functional and genetic evidence.